The following is an entry in ClinVar:

ClinVar aggregate classification (germline): Pathogenic (1 of 4 stars; one submission).

Conditions:
Baller-Gerold syndrome (BGS). Also called: CRANIOSYNOSTOSIS WITH RADIAL DEFECTS. Identifiers: Orphanet 1225, MedGen C0265308, MONDO:0009039, OMIM 218600.

Submission:

Labcorp Genetics (formerly Invitae), Labcorp
Classification: Pathogenic for Baller-Gerold syndrome. Last evaluated: 2023-03-22. Review status: criteria provided, single submitter. Criteria: Invitae Variant Classification Sherloc (09022015). Collection method: clinical testing. Allele origin: germline.
Comment: This sequence change creates a premature translational stop signal (p.Lys695*) in the RECQL4 gene. It is expected to result in an absent or disrupted protein product. Loss-of-function variants in RECQL4 are known to be pathogenic (PMID: 12734318, 12952869). This variant is not present in population databases (gnomAD no frequency). This variant has not been reported in the literature in individuals affected with RECQL4-related conditions. ClinVar contains an entry for this variant (Variation ID: 1070337). For these reasons, this variant has been classified as Pathogenic.

Literature cited by the submitters: PubMed 12734318; PubMed 12952869.

NM_004260.4(RECQL4):c.2083A>T (p.Lys695Ter)

Gene: RECQL4 (RecQ like helicase 4; minus strand). Cytogenetic location: 8q24.3.
Variant type: single nucleotide variant.
Coding change: c.2083A>T on transcript NM_004260.4 (MANE Select); coding-DNA position 2083, A replaced by T.
Protein change: p.Lys695Ter; replaces lysine 695 with a stop codon.
Molecular consequence: nonsense.
Genome position (GRCh38, 1-based): chr8:144,513,688, T>A on the plus strand (A>T on the coding strand, the complement: RECQL4 is on the minus strand). VCF-style: chr8-144513688-T-A. GRCh37 (hg19) VCF-style: chr8-145739072-T-A.
Other names: short protein forms K695*.
Identifiers: ClinVar variation 1070337 (VCV001070337.5), dbSNP rs2130684472, ClinGen allele CA372680022.